The following is an entry in ClinVar:

ClinVar aggregate classification (germline): Benign. Review status: criteria provided, multiple submitters, no conflicts (2 of 4 stars). 2 submissions from 2 submitters: Benign (2). Last evaluated 2018-01-12.

Conditions:
Mucopolysaccharidosis type 6 (MPS6). Also called: ARSB DEFICIENCY; ARYLSULFATASE B DEFICIENCY; MPS VI; N-ACETYLGALACTOSAMINE-4-SULFATASE DEFICIENCY; MPS 6; Maroteaux Lamy syndrome. Identifiers: Orphanet 583, MedGen C0026709, MONDO:0009661, OMIM 253200.

Allele frequency attached by ClinVar (database versions not stated): gnomAD exomes 0.25000; 1000 Genomes Project 0.50260; 1000 Genomes Project 30x 0.50437; gnomAD 0.53286 and 0.53627; TOPMed 0.53427.
gnomAD v4.1: 80,909 of 152,006 alleles (53%); highest among the groups gnomAD compares: Middle Eastern, 58%; 21,686 homozygotes.

Submissions (2):

Illumina Laboratory Services, Illumina
Classification: Benign for Mucopolysaccharidosis type 6. Last evaluated: 2018-01-12. Review status: criteria provided, single submitter. Criteria: ICSL Variant Classification Criteria 13 December 2019. Collection method: clinical testing. Allele origin: germline.
Comment: This variant was observed in the ICSL laboratory as part of a predisposition screen in an ostensibly healthy population. It had not been previously curated by ICSL or reported in the Human Gene Mutation Database (HGMD: prior to June 1st, 2018), and was therefore a candidate for classification through an automated scoring system. Utilizing variant allele frequency, disease prevalence and penetrance estimates, and inheritance mode, an automated score was calculated to assess if this variant is too frequent to cause the disease. Based on the score and internal cut-off values, a variant classified as benign is not then subjected to further curation. The score for this variant resulted in a classification of benign for this disease.

Breakthrough Genomics
Classification: Benign. Review status: criteria provided, single submitter. Criteria: ACMG Guidelines, 2015. Collection method: not provided. Allele origin: germline. Inheritance: Autosomal recessive inheritance. Affected: yes.

NM_000046.5(ARSB):c.*1302G>T

Gene: ARSB (arylsulfatase B; minus strand). Cytogenetic location: 5q14.1.
Variant type: single nucleotide variant.
Coding change: c.*1302G>T on transcript NM_000046.5 (MANE Select); 1302 bases downstream of the stop codon, G replaced by T.
Molecular consequence: 3 prime UTR variant.
Genome position (GRCh38, 1-based): chr5:78,779,095, C>A on the plus strand (G>T on the coding strand, the complement: ARSB is on the minus strand). VCF-style: chr5-78779095-C-A. GRCh37 (hg19) VCF-style: chr5-78074918-C-A.
Identifiers: ClinVar variation 354287 (VCV000354287.6), dbSNP rs754566, ClinGen allele CA10620841.